The following is an entry in ClinVar:

ClinVar aggregate classification (germline): Uncertain significance (1 of 4 stars; one submission).

Conditions:
Encephalopathy, acute, infection-induced (herpes-specific), susceptibility to, 1. Also called: Herpes simplex encephalitis, susceptibility to, 1. Identifiers: Orphanet 1930, MedGen C2750180, MONDO:0024563, OMIM 610551.

Allele frequency attached by ClinVar (database versions not stated): gnomAD 0.00001; gnomAD exomes 0.00001; TOPMed 0.00001; ExAC 0.00002.
gnomAD v4.1: 21 of 1,614,112 alleles (0.0013%); highest among the groups gnomAD compares: Admixed American, 0.0083%; no homozygotes.

Submission:

Labcorp Genetics (formerly Invitae), Labcorp
Classification: Uncertain significance for Encephalopathy, acute, infection-induced (herpes-specific), susceptibility to, 1. Last evaluated: 2024-10-28. Review status: criteria provided, single submitter. Criteria: Invitae Variant Classification Sherloc (09022015). Collection method: clinical testing. Allele origin: germline.
Comment: This sequence change replaces phenylalanine, which is neutral and non-polar, with leucine, which is neutral and non-polar, at codon 732 of the TLR3 protein (p.Phe732Leu). This variant is present in population databases (rs774476397, gnomAD 0.006%). This variant has not been reported in the literature in individuals affected with TLR3-related conditions. ClinVar contains an entry for this variant (Variation ID: 2159353). An algorithm developed to predict the effect of missense changes on protein structure and function (PolyPhen-2) suggests that this variant is likely to be disruptive. In summary, the available evidence is currently insufficient to determine the role of this variant in disease. Therefore, it has been classified as a Variant of Uncertain Significance.

NM_003265.3(TLR3):c.2194T>C (p.Phe732Leu)

Gene: TLR3 (toll like receptor 3; plus strand). Cytogenetic location: 4q35.1.
Variant type: single nucleotide variant.
Coding change: c.2194T>C on transcript NM_003265.3 (MANE Select); coding-DNA position 2194, T replaced by C.
Protein change: p.Phe732Leu; replaces phenylalanine 732 with leucine.
Molecular consequence: missense variant.
Genome position (GRCh38, 1-based): chr4:186,083,880, T>C. VCF-style: chr4-186083880-T-C. GRCh37 (hg19) VCF-style: chr4-187005034-T-C.
Other names: short protein forms F732L.
Identifiers: ClinVar variation 2159353 (VCV002159353.4), dbSNP rs774476397, ClinGen allele CA3161531.